The following is an entry in ClinVar:

ClinVar aggregate classification (germline): Uncertain significance (1 of 4 stars; one submission).

Submission:

GeneDx
Classification: Uncertain significance. Last evaluated: 2023-05-02. Review status: criteria provided, single submitter. Criteria: GeneDx Variant Classification Process June 2021. Collection method: clinical testing. Allele origin: germline. Affected: yes.
Comment: Not observed at significant frequency in large population cohorts (gnomAD); In silico analysis supports that this missense variant has a deleterious effect on protein structure/function; Has not been previously published as pathogenic or benign to our knowledge

NM_001003694.2(BRPF1):c.655G>A (p.Glu219Lys)

Gene: BRPF1 (bromodomain and PHD finger containing 1; plus strand). Cytogenetic location: 3p25.3.
Variant type: single nucleotide variant.
Coding change: c.655G>A on transcript NM_001003694.2 (MANE Select); coding-DNA position 655, G replaced by A.
Protein change: p.Glu219Lys; replaces glutamic acid 219 with lysine.
Molecular consequence: missense variant. On other transcripts: non-coding transcript variant (1).
Genome position (GRCh38, 1-based): chr3:9,739,054, G>A. VCF-style: chr3-9739054-G-A. GRCh37 (hg19) VCF-style: chr3-9780738-G-A.
Other names: c.655G>A, p.Glu219Lys (NM_001319049.2, NM_001319050.2, NM_001410704.1 and 1 more transcripts); short protein forms E219K.
Identifiers: ClinVar variation 2663320 (VCV002663320.1), dbSNP rs2076987452, ClinGen allele CA351684078.